The following is an entry in ClinVar:

NM_002474.3(MYH11):c.6G>A (p.Ala2=)

Gene: MYH11 (myosin heavy chain 11; minus strand). Cytogenetic location: 16p13.11.
Variant type: single nucleotide variant.
Coding change: c.6G>A on transcript NM_002474.3 (MANE Select); coding-DNA position 6, G replaced by A.
Protein change: p.Ala2=; no amino-acid change (alanine 2 retained).
Molecular consequence: synonymous variant.
Genome position (GRCh38, 1-based): chr16:15,838,247, C>T on the plus strand (G>A on the coding strand, the complement: MYH11 is on the minus strand). VCF-style: chr16-15838247-C-T. GRCh37 (hg19) VCF-style: chr16-15932104-C-T.
Other names: c.6G>A, p.Ala2= (NM_001040113.2, NM_001040114.2, NM_022844.3).
Identifiers: ClinVar variation 516336 (VCV000516336.24), dbSNP rs762011909, ClinGen allele CA7923134.

ClinVar aggregate classification (germline): Benign/Likely benign. Review status: criteria provided, multiple submitters, no conflicts (2 of 4 stars). 7 submissions from 7 submitters: Benign (4); Likely benign (2). 1 of the submissions does not count toward it. Last evaluated 2025-11-26.

Conditions:
Familial thoracic aortic aneurysm and aortic dissection (TAAD). Also called: Thoracic aortic aneurysms and dissections. Identifiers: Orphanet 91387, MedGen C4707243, MONDO:0019625.
Aortic aneurysm, familial thoracic 4 (AAT4). Also called: AORTIC ANEURYSM/AORTIC DISSECTION AND PATENT DUCTUS ARTERIOSUS. Identifiers: MedGen C1851504, MONDO:0007568, OMIM 132900.
MYH11-related disorder. Also called: MYH11-related condition.

Allele frequency attached by ClinVar (database versions not stated): TOPMed 0.00003; gnomAD exomes 0.00004 and 0.00018; ExAC 0.00018.
gnomAD v4.1: 57 of 1,613,904 alleles (0.0035%); highest among the groups gnomAD compares: Admixed American, 0.08%; no homozygotes.

Submissions (7):

Labcorp Genetics (formerly Invitae), Labcorp
Classification: Benign for Aortic aneurysm, familial thoracic 4. Last evaluated: 2025-11-26. Review status: criteria provided, single submitter. Criteria: Invitae Variant Classification Sherloc (09022015). Collection method: clinical testing. Allele origin: germline.

All of Us Research Program, National Institutes of Health
Classification: Benign for Familial thoracic aortic aneurysm and aortic dissection. Last evaluated: 2023-12-01. Review status: criteria provided, single submitter. Criteria: ACMG Guidelines, 2015. Collection method: clinical testing. Allele origin: germline. Inheritance: Autosomal dominant inheritance. Observed: 9 variant alleles, 9 heterozygotes.
Comment: This study involves interpretation of variants in research participants for the purpose of population health screening. Participant phenotype was not available at the time of variant classification. Additional details can be found in publication PMID: 35346344, PMCID: PMC8962531

GeneDx
Classification: Likely benign. Last evaluated: 2019-08-22. Review status: criteria provided, single submitter. Criteria: GeneDx Variant Classification Process June 2021. Collection method: clinical testing. Allele origin: germline. Affected: yes.

Color Diagnostics, LLC DBA Color Health
Classification: Benign for Familial thoracic aortic aneurysm and aortic dissection. Last evaluated: 2019-03-11. Review status: criteria provided, single submitter. Criteria: ACMG Guidelines, 2015. Collection method: clinical testing. Allele origin: germline.

CHEO Genetics Diagnostic Laboratory, Children's Hospital of Eastern Ontario
Classification: Benign for Familial thoracic aortic aneurysm and aortic dissection. Last evaluated: 2018-09-17. Review status: criteria provided, single submitter. Criteria: ACMG Guidelines, 2015. Collection method: clinical testing. Allele origin: germline.

Ambry Genetics
Classification: Likely benign for Familial thoracic aortic aneurysm and aortic dissection. Last evaluated: 2016-08-09. Review status: criteria provided, single submitter. Criteria: Ambry Variant Classification Scheme 2023. Collection method: clinical testing. Allele origin: germline.

PreventionGenetics, part of Exact Sciences
Classification: Likely benign for MYH11-related condition. Last evaluated: 2024-02-21. Review status: no assertion criteria provided. Collection method: clinical testing. Allele origin: germline. Not counted in ClinVar's aggregate classification.
Comment: This variant is classified as likely benign based on ACMG/AMP sequence variant interpretation guidelines (Richards et al. 2015 PMID: 25741868, with internal and published modifications).